The following is an entry in ClinVar:

ClinVar aggregate classification (germline): Uncertain significance. Review status: criteria provided, multiple submitters, no conflicts (2 of 4 stars). 2 submissions from 2 submitters: Uncertain significance (2). Last evaluated 2026-08-06.

Allele frequency attached by ClinVar (database versions not stated): gnomAD 0.00002; ExAC 0.00002; TOPMed 0.00005.
gnomAD v4.1: 27 of 1,614,016 alleles (0.0017%); highest among the groups gnomAD compares: Admixed American, 0.022%; 1 homozygote.

Submissions (2):

GeneDx
Classification: Uncertain significance. Last evaluated: 2026-08-06. Review status: criteria provided, single submitter. Criteria: GeneDx Variant Classification Process June 2021. Collection method: clinical testing. Allele origin: germline.
Comment: In silico analysis suggests that this missense variant does not alter protein structure/function; Has not been previously published as pathogenic or benign to our knowledge

Labcorp Genetics (formerly Invitae), Labcorp
Classification: Uncertain significance. Last evaluated: 2023-11-28. Review status: criteria provided, single submitter. Criteria: Invitae Variant Classification Sherloc (09022015). Collection method: clinical testing. Allele origin: germline.
Comment: This sequence change replaces arginine, which is basic and polar, with histidine, which is basic and polar, at codon 259 of the GRHL2 protein (p.Arg259His). This variant is present in population databases (rs200976297, gnomAD 0.04%). This variant has not been reported in the literature in individuals affected with GRHL2-related conditions. Advanced modeling of protein sequence and biophysical properties (such as structural, functional, and spatial information, amino acid conservation, physicochemical variation, residue mobility, and thermodynamic stability) performed at Invitae indicates that this missense variant is not expected to disrupt GRHL2 protein function with a negative predictive value of 80%. In summary, the available evidence is currently insufficient to determine the role of this variant in disease. Therefore, it has been classified as a Variant of Uncertain Significance.

NM_024915.4(GRHL2):c.776G>A (p.Arg259His)

Gene: GRHL2 (grainyhead like transcription factor 2; plus strand). Cytogenetic location: 8q22.3.
Variant type: single nucleotide variant.
Coding change: c.776G>A on transcript NM_024915.4 (MANE Select); coding-DNA position 776, G replaced by A.
Protein change: p.Arg259His; replaces arginine 259 with histidine.
Molecular consequence: missense variant.
Genome position (GRCh38, 1-based): chr8:101,573,709, G>A. VCF-style: chr8-101573709-G-A. GRCh37 (hg19) VCF-style: chr8-102585937-G-A.
Other names: c.776G>A (NM_024915.3); c.728G>A, p.Arg243His (NM_001330593.2); short protein forms R243H, R259H.
Identifiers: ClinVar variation 2860264 (VCV002860264.5), dbSNP rs200976297, ClinGen allele CA4830390.